The following is an entry in ClinVar:

NM_000090.4(COL3A1):c.3868A>C (p.Ile1290Leu)

Gene: COL3A1 (collagen type III alpha 1 chain; plus strand). Cytogenetic location: 2q32.2.
Variant type: single nucleotide variant.
Coding change: c.3868A>C on transcript NM_000090.4 (MANE Select); coding-DNA position 3868, A replaced by C.
Protein change: p.Ile1290Leu; replaces isoleucine 1290 with leucine.
Molecular consequence: missense variant.
Genome position (GRCh38, 1-based): chr2:189,010,222, A>C. VCF-style: chr2-189010222-A-C. GRCh37 (hg19) VCF-style: chr2-189874948-A-C.
Other names: short protein forms I1290L.
Identifiers: ClinVar variation 859629 (VCV000859629.15), dbSNP rs757734757, ClinGen allele CA349848527.

ClinVar aggregate classification (germline): Uncertain significance. Review status: criteria provided, multiple submitters, no conflicts (2 of 4 stars). 3 submissions from 3 submitters: Uncertain significance (3). Last evaluated 2024-03-07.

Conditions:
Ehlers-Danlos syndrome, type 4 (EDSVASC). Also called: Ehlers-Danlos Syndrome Type IV; Ehlers-Danlos syndrome vascular type; Ehlers Danlos syndrome, ecchymotic type; Ehlers Danlos syndrome, arterial type; Ehlers Danlos syndrome, Sack-Barabas type. Identifiers: Orphanet 286, MedGen C0268338, MONDO:0017314, OMIM 130050.
Familial thoracic aortic aneurysm and aortic dissection (TAAD). Also called: Thoracic aortic aneurysms and dissections. Identifiers: Orphanet 91387, MedGen C4707243, MONDO:0019625.

gnomAD v4.1: 1 of 1,614,174 alleles (0.000062%); highest among the groups gnomAD compares: Admixed American, 0.0017%; no homozygotes.

Submissions (3):

Color Diagnostics, LLC DBA Color Health
Classification: Uncertain significance for Familial thoracic aortic aneurysm and aortic dissection. Last evaluated: 2024-03-07. Review status: criteria provided, single submitter. Criteria: ACMG Guidelines, 2015. Collection method: clinical testing. Allele origin: germline.
Comment: This missense variant replaces isoleucine with leucine at codon 1290 of the COL3A1 protein. Computational prediction suggests that this variant may not impact protein structure and function (internally defined REVEL score threshold <= 0.5, PMID: 27666373). To our knowledge, functional studies have not been reported for this variant. This variant has not been reported in individuals affected with cardiovascular disorders in the literature. This variant has been identified in 1/251390 chromosomes in the general population by the Genome Aggregation Database (gnomAD). The available evidence is insufficient to determine the role of this variant in disease conclusively. Therefore, this variant is classified as a Variant of Uncertain Significance.

All of Us Research Program, National Institutes of Health
Classification: Uncertain significance for Ehlers-Danlos syndrome, type 4. Last evaluated: 2023-11-30. Review status: criteria provided, single submitter. Criteria: ACMG Guidelines, 2015. Collection method: clinical testing. Allele origin: germline. Inheritance: Autosomal dominant inheritance. Observed: 1 variant allele, 1 heterozygote.
Comment: This missense variant replaces isoleucine with leucine at codon 1290 of the COL3A1 protein. Computational prediction suggests that this variant may not impact protein structure and function (internally defined REVEL score threshold <= 0.5, PMID: 27666373). To our knowledge, functional studies have not been reported for this variant. This variant has not been reported in individuals affected with cardiovascular disorders in the literature. This variant has been identified in 1/251390 chromosomes in the general population by the Genome Aggregation Database (gnomAD). The available evidence is insufficient to determine the role of this variant in disease conclusively. Therefore, this variant is classified as a Variant of Uncertain Significance.

This study involves interpretation of variants in research participants for the purpose of population health screening. Participant phenotype was not available at the time of variant classification. Additional details can be found in publication PMID: 35346344, PMCID: PMC8962531

Labcorp Genetics (formerly Invitae), Labcorp
Classification: Uncertain significance for Ehlers-Danlos syndrome, type 4. Last evaluated: 2019-12-27. Review status: criteria provided, single submitter. Criteria: Invitae Variant Classification Sherloc (09022015). Collection method: clinical testing. Allele origin: germline.
Comment: In summary, the available evidence is currently insufficient to determine the role of this variant in disease. Therefore, it has been classified as a Variant of Uncertain Significance. Algorithms developed to predict the effect of missense changes on protein structure and function are either unavailable or do not agree on the potential impact of this missense change (SIFT: "Deleterious"; PolyPhen-2: "Not Available"; Align-GVGD: "Class C0"). This variant has not been reported in the literature in individuals with COL3A1-related conditions. This variant is not present in population databases (ExAC no frequency). This sequence change replaces isoleucine with leucine at codon 1290 of the COL3A1 protein (p.Ile1290Leu). The isoleucine residue is highly conserved and there is a small physicochemical difference between isoleucine and leucine.